The following is an entry in ClinVar:

ClinVar aggregate classification (germline): Uncertain significance (1 of 4 stars; one submission).

Conditions:
Early-onset Parkinson disease 20. Also called: PARKINSON DISEASE 20, AUTOSOMAL RECESSIVE EARLY-ONSET. Identifiers: Orphanet 391411, MedGen C3809824, MONDO:0014233, OMIM 615530.
Developmental and epileptic encephalopathy, 53. Also called: Epileptic encephalopathy, early infantile, 53. Identifiers: MedGen C4479313, MONDO:0033362, OMIM 617389.

Allele frequency attached by ClinVar (database versions not stated): gnomAD exomes below 0.00001; gnomAD 0.00001; TOPMed 0.00001.
gnomAD v4.1: 8 of 1,612,722 alleles (0.0005%); highest among the groups gnomAD compares: Admixed American, 0.0017%; no homozygotes.

Submission:

Labcorp Genetics (formerly Invitae), Labcorp
Classification: Uncertain significance for Developmental and epileptic encephalopathy, 53; Early-onset Parkinson disease 20. Last evaluated: 2022-06-26. Review status: criteria provided, single submitter. Criteria: Invitae Variant Classification Sherloc (09022015). Collection method: clinical testing. Allele origin: germline.
Comment: This sequence change replaces valine, which is neutral and non-polar, with phenylalanine, which is neutral and non-polar, at codon 979 of the SYNJ1 protein (p.Val979Phe). This variant is not present in population databases (gnomAD no frequency). This variant has not been reported in the literature in individuals affected with SYNJ1-related conditions. Algorithms developed to predict the effect of missense changes on protein structure and function are either unavailable or do not agree on the potential impact of this missense change (SIFT: "Deleterious"; PolyPhen-2: "Probably Damaging"; Align-GVGD: "Class C0"). In summary, the available evidence is currently insufficient to determine the role of this variant in disease. Therefore, it has been classified as a Variant of Uncertain Significance.

NM_203446.3(SYNJ1):c.2818G>T (p.Val940Phe)

Gene: SYNJ1 (synaptojanin 1; minus strand). Cytogenetic location: 21q22.11.
Variant type: single nucleotide variant.
Coding change: c.2818G>T on transcript NM_203446.3 (MANE Select); coding-DNA position 2818, G replaced by T.
Protein change: p.Val940Phe; replaces valine 940 with phenylalanine.
Molecular consequence: missense variant.
Genome position (GRCh38, 1-based): chr21:32,653,344, C>A on the plus strand (G>T on the coding strand, the complement: SYNJ1 is on the minus strand). VCF-style: chr21-32653344-C-A. GRCh37 (hg19) VCF-style: chr21-34025654-C-A.
Other names: c.2818G>T, p.Val940Phe (NM_001160302.2); c.2803G>T, p.Val935Phe (NM_001160306.2); c.2935G>T, p.Val979Phe (NM_003895.4); short protein forms V940F, V979F, V935F.
Identifiers: ClinVar variation 1348995 (VCV001348995.5), dbSNP rs890538025, ClinGen allele CA319424965.
Genomic context (GRCh38, chr21:32,653,344, plus strand): 5'-TTACCTCTTTACCATTTAGGCTCAGAACATTCAAGGCAGAGCTTCCCTCCAAAAATGTAA[C>A]CCACATTTTATCTTCTACAAATCTTTAAGAAAAACAATAAAAAACCATAATTAATACCAT-3'
Protein context (NP_982271.3, residues 930-950): LIRFVEDKMW[Val940Phe]TFLEGSSALN